The following is an entry in ClinVar:

ClinVar aggregate classification (germline): Likely benign (1 of 4 stars; one submission).

Allele frequency attached by ClinVar (database versions not stated): gnomAD exomes 0.00005; ExAC 0.00008; TOPMed 0.00011; gnomAD 0.00017; 1000 Genomes Project 0.00020; 1000 Genomes Project 30x 0.00047.
gnomAD v4.1: 98 of 1,608,408 alleles (0.0061%); highest among the groups gnomAD compares: Middle Eastern, 0.05%; 1 homozygote.

Submission:

CeGaT Center for Human Genetics Tuebingen
Classification: Likely benign. Last evaluated: 2023-04-01. Review status: criteria provided, single submitter. Criteria: CeGaT Center For Human Genetics Tuebingen Variant Classification Criteria Version 2. Collection method: clinical testing. Allele origin: germline. Affected: yes. Observed: 1 variant allele.
Comment: TANC2: BP4, BP7

NM_001394998.1(TANC2):c.1953A>G (p.Val651=)

Gene: TANC2 (tetratricopeptide repeat, ankyrin repeat and coiled-coil containing 2; plus strand). Cytogenetic location: 17q23.3.
Variant type: single nucleotide variant.
Coding change: c.1953A>G on transcript NM_001394998.1 (MANE Select); coding-DNA position 1953, A replaced by G.
Protein change: p.Val651=; no amino-acid change (valine 651 retained).
Molecular consequence: synonymous variant.
Genome position (GRCh38, 1-based): chr17:63,351,395, A>G. VCF-style: chr17-63351395-A-G. GRCh37 (hg19) VCF-style: chr17-61428756-A-G.
Other names: c.1731A>G, p.Val577= (NM_001411076.1, NM_025185.4).
Identifiers: ClinVar variation 2648051 (VCV002648051.24), dbSNP rs201018358, ClinGen allele CA8697699.